The following is an entry in ClinVar:

NM_000169.3(GLA):c.467C>A (p.Ala156Asp)

Genes: GLA (galactosidase alpha; minus strand), RPL36A-HNRNPH2 (RPL36A-HNRNPH2 readthrough; plus strand). Cytogenetic location: Xq22.1.
Variant type: single nucleotide variant.
Coding change: c.467C>A on transcript NM_000169.3 (MANE Select); coding-DNA position 467, C replaced by A.
Protein change: p.Ala156Asp; replaces alanine 156 with aspartic acid.
Molecular consequence: missense variant. On other transcripts: non-coding transcript variant (3), intron variant (2).
Genome position (GRCh38, 1-based): chrX:101,401,712, G>T on the plus strand (C>A on the coding strand, the complement: GLA is on the minus strand). VCF-style: chrX-101401712-G-T. GRCh37 (hg19) VCF-style: chrX-100656700-G-T.
Other names: c.590C>A, p.Ala197Asp (NM_001406747.1, NM_001406749.1); c.467C>A, p.Ala156Asp (NM_001406748.1); c.300+6255G>T (NM_001199973.2); c.177+9890G>T (NM_001199974.2); short protein forms A156D, A197D.
Identifiers: ClinVar variation 4087379 (VCV004087379.4), dbSNP rs869312307.

ClinVar aggregate classification (germline): Pathogenic/Likely pathogenic. Review status: criteria provided, multiple submitters, no conflicts (2 of 4 stars). 2 submissions from 2 submitters: Pathogenic (1); Likely pathogenic (1). Last evaluated 2026-09-08.

Conditions:
Fabry disease. Also called: ALPHA-GALACTOSIDASE A DEFICIENCY; ANDERSON-FABRY DISEASE; CERAMIDE TRIHEXOSIDASE DEFICIENCY; GLA DEFICIENCY; HEREDITARY DYSTOPIC LIPIDOSIS; Angiokeratoma corporis diffusum. Identifiers: Orphanet 324, MedGen C0002986, MONDO:0010526, OMIM 301500, HP:0001071. Disease mechanism: Fabry disease is due to inactivating mutations in the X-linked GLA gene resulting in deficiency of the enzyme Alpha Galactosidase-A., loss of function.

Submissions (2):

Genomenon, Inc
Classification: Pathogenic for Fabry disease. Last evaluated: 2026-09-08. Review status: criteria provided, single submitter. Criteria: Genomenon Sequence Variant Interpretation Standards - Updated. Collection method: curation. Allele origin: germline. Affected: yes.
Comment: GLA p.Ala156Asp (c.467C>A) is a missense variant that changes the amino acid at codon 156 from Alanine to Aspartic acid. This variant has been observed in at least one proband with clinical features consistent with Fabry disease (PMID:31871893;22551898;25974833;36087505;30644091). The variant was found to segregate with disease in at least one affected family (PMID:30644091). At least one functional study has demonstrated a substantial alteration in protein function relative to the wild-type (PMID:32023956;27657681;23935525). It is absent or not present at a significant frequency in gnomAD. In silico models predict that this variant is possibly or probably damaging. In conclusion, we classify GLA p.Ala156Asp (c.467C>A) as a pathogenic variant.

Dasa
Classification: Likely pathogenic for Fabry disease. Last evaluated: 2026-02-07. Review status: criteria provided, single submitter. Criteria: DASA Assertion Criteria. Collection method: clinical testing. Allele origin: germline.
Comment: NM_000169.3(GLA):c.467C>A (p.Ala156Asp) is a missense variant that results in the substitution of alanine with aspartic acid. The affected residue or protein region has prior evidence supporting clinical relevance. This variant has been recurrently observed in individuals with GLA-related disorders (PMID: 31871893; PMID: 31996269; PMID: 22551898). Also, this variant is absent from population databases. Computational evidence supports a deleterious effect. Based on the currently available evidence, this variant is classified as likely pathogenic.

Literature cited by the submitters: PubMed 31871893 (cited by Genomenon, Inc and Dasa); PubMed 22551898 (cited by Genomenon, Inc and Dasa); PubMed 25974833 (cited by Genomenon, Inc and Dasa); PubMed 36087505 (cited by Genomenon, Inc); PubMed 30644091 (cited by Genomenon, Inc); PubMed 32023956 (cited by Genomenon, Inc); PubMed 27657681 (cited by Genomenon, Inc); PubMed 23935525 (cited by Genomenon, Inc); PubMed 31996269 (cited by Dasa); PubMed 24582695 (cited by Dasa).